The following is an entry in ClinVar:

NM_017775.4(TTC19):c.87C>T (p.Leu29=)

Genes: TTC19 (tetratricopeptide repeat domain 19; plus strand), LOC130060311 (ATAC-STARR-seq lymphoblastoid silent region 8214; plus strand). Cytogenetic location: 17p12.
Variant type: single nucleotide variant.
Coding change: c.87C>T on transcript NM_017775.4 (MANE Select); coding-DNA position 87, C replaced by T.
Protein change: p.Leu29=; no amino-acid change (leucine 29 retained).
Molecular consequence: synonymous variant. On other transcripts: 5 prime UTR variant (1).
Genome position (GRCh38, 1-based): chr17:15,999,935, C>T. VCF-style: chr17-15999935-C-T. GRCh37 (hg19) VCF-style: chr17-15903249-C-T.
Other names: c.-372C>T (NM_001271420.2).
Identifiers: ClinVar variation 382625 (VCV000382625.13), dbSNP rs773742878, ClinGen allele CA8407239.

ClinVar aggregate classification (germline): Likely benign. Review status: criteria provided, multiple submitters, no conflicts (2 of 4 stars). 4 submissions from 4 submitters: Likely benign (4). Last evaluated 2026-08-01.

Allele frequency attached by ClinVar (database versions not stated): ExAC below 0.00001; TOPMed 0.00024.
gnomAD v4.1: 41 of 1,334,500 alleles (0.0031%); highest among the groups gnomAD compares: Admixed American, 0.033%; no homozygotes.

Submissions (4):

CeGaT Center for Human Genetics Tuebingen
Classification: Likely benign. Last evaluated: 2026-08-01. Review status: criteria provided, single submitter. Criteria: CeGaT Center For Human Genetics Tuebingen Variant Classification Criteria Version 2. Collection method: clinical testing. Allele origin: germline. Affected: yes. Observed: 2 variant alleles.
Comment: TTC19: BP4, BP7

Labcorp Genetics (formerly Invitae), Labcorp
Classification: Likely benign. Last evaluated: 2025-10-13. Review status: criteria provided, single submitter. Criteria: Invitae Variant Classification Sherloc (09022015). Collection method: clinical testing. Allele origin: germline.

Blueprint Genetics
Classification: Likely benign. Last evaluated: 2024-09-25. Review status: criteria provided, single submitter. Criteria: ACMG Guidelines, 2015. Collection method: clinical testing. Allele origin: germline.

GeneDx
Classification: Likely benign. Last evaluated: 2020-08-13. Review status: criteria provided, single submitter. Criteria: GeneDx Variant Classification Process June 2021. Collection method: clinical testing. Allele origin: germline. Affected: yes.